The following is an entry in ClinVar:

NM_001367868.2(PLIN4):c.129G>A (p.Ala43=)

Gene: PLIN4 (perilipin 4; minus strand). Cytogenetic location: 19p13.3.
Variant type: single nucleotide variant.
Coding change: c.129G>A on transcript NM_001367868.2 (MANE Select); coding-DNA position 129, G replaced by A.
Protein change: p.Ala43=; no amino-acid change (alanine 43 retained).
Molecular consequence: synonymous variant.
Genome position (GRCh38, 1-based): chr19:4,517,621, C>T on the plus strand (G>A on the coding strand, the complement: PLIN4 is on the minus strand). VCF-style: chr19-4517621-C-T. GRCh37 (hg19) VCF-style: chr19-4517633-C-T.
Other names: c.129G>A, p.Ala43= (NM_001393890.1, NM_001393891.1, NM_001393888.1 and 1 more transcripts).
Identifiers: ClinVar variation 2649064 (VCV002649064.24), dbSNP rs182388730, ClinGen allele CA9101220.
Genomic context (GRCh38, chr19:4,517,621, plus strand): 5'-CTGTGGTTGGGCAGCCTCGGCAGCAGGCGCTCCTGTGGGGTCAGCGGCCGGCCGGGCTCT[C>T]GCCGAGCTATGTGCGTTGGCCACCAGGTTCCGGGCAGAGCTGAAGCCAGGCAGGGACCCA-3'
Protein context (NP_001354797.1, residues 33-53): RNLVANAHSS[Ala43=]RARPAADPTG

ClinVar aggregate classification (germline): Likely benign (1 of 4 stars; one submission).

Allele frequency attached by ClinVar (database versions not stated): 1000 Genomes Project 0.00180; 1000 Genomes Project 30x 0.00187; ExAC 0.00228; ESP Exome Variant Server 0.00253.

Submission:

CeGaT Center for Human Genetics Tuebingen
Classification: Likely benign. Last evaluated: 2025-10-01. Review status: criteria provided, single submitter. Criteria: CeGaT Center For Human Genetics Tuebingen Variant Classification Criteria Version 2. Collection method: clinical testing. Allele origin: germline. Affected: yes. Observed: 3 variant alleles.
Comment: PLIN4: BP4, BP7, BS2